The following is an entry in ClinVar:

ClinVar aggregate classification (germline): Uncertain significance (1 of 4 stars; one submission).

Submission:

Kariminejad - Najmabadi Pathology & Genetics Center
Classification: Uncertain significance. Last evaluated: 2017-01-15. Review status: criteria provided, single submitter. Criteria: ACMG Guidelines, 2015. Collection method: clinical testing. Allele origin: germline. Inheritance: Autosomal recessive inheritance. Affected: yes.
Comment: PM2, PP3_Strong?, PM3_Supporting

NM_001077365.2(POMT1):c.1173C>A (p.Asn391Lys)

Gene: POMT1 (protein O-mannosyltransferase 1; plus strand). Cytogenetic location: 9q34.13.
Variant type: single nucleotide variant.
Coding change: c.1173C>A on transcript NM_001077365.2 (MANE Select); coding-DNA position 1173, C replaced by A.
Protein change: p.Asn391Lys; replaces asparagine 391 with lysine.
Molecular consequence: missense variant. On other transcripts: non-coding transcript variant (10), intron variant (1).
Genome position (GRCh38, 1-based): chr9:131,513,329, C>A. VCF-style: chr9-131513329-C-A. GRCh37 (hg19) VCF-style: chr9-134388716-C-A.
Other names: c.1011C>A, p.Asn337Lys (NM_001077366.2, NM_001353194.2); c.1173C>A, p.Asn391Lys (NM_001136113.2, NM_001374690.1); c.822C>A, p.Asn274Lys (NM_001136114.2, NM_001353195.2, NM_001374691.1 and 1 more transcripts); c.1239C>A, p.Asn413Lys (NM_001353193.2, NM_007171.4); c.1083C>A, p.Asn361Lys (NM_001353196.2); c.1077C>A, p.Asn359Lys (NM_001353197.2, NM_001353198.2); c.888C>A, p.Asn296Lys (NM_001353199.2); c.717C>A, p.Asn239Lys (NM_001353200.2); and 4 more; short protein forms N14K, N239K, N261K, N274K, N296K, N337K, N359K, N361K.
Identifiers: ClinVar variation 3896958 (VCV003896958.1).
Genomic context (GRCh38, chr9:131,513,329, plus strand): 5'-ACCTGTGAGGCACGGGGACATGGTGCAGCTGGTCCACGGCATGACCACCCGCTCCCTGAA[C>A]ACGTGAGTGTGCCCGCCGTCTGCTCTGCTGCACCTGTGGGTTTCCTCTGTGGTTCTCTGT-3'
Protein context (NP_001070833.1, residues 381-401): LVHGMTTRSL[Asn391Lys]THDVAAPLSP